The following is an entry in ClinVar:

ClinVar aggregate classification (germline): Pathogenic (0 of 4 stars; one submission).

Conditions:
Angelman syndrome (AS). Also called: HAPPY PUPPET SYNDROME. Identifiers: Orphanet 72, MedGen C0162635, MONDO:0007113, OMIM 105830. Disease mechanism: loss of function. Inheritance: AS is caused by disruption of maternally imprinted UBE3A located within the 15q11.2-q13 Angelman syndrome/Prader-Willi syndrome (AS/PWS) region., imprinting disorder.

Submission:

Baylor Genetics
Classification: Pathogenic for Angelman Syndrome. Last evaluated: 2014-02-14. Review status: no assertion criteria provided. Collection method: clinical testing. Allele origin: germline. Affected: yes. Observed: 1 variant allele. Study: UBE3A Mutation Study.
Comment: Data collected from clinical UBE3A sequence analysis results

Literature cited by the submitters: PubMed 25212744.

NM_130839.5(UBE3A):c.640dup (p.Ser214fs)

Genes: SNHG14 (small nucleolar RNA host gene 14; plus strand), UBE3A (ubiquitin protein ligase E3A; minus strand). Cytogenetic location: 15q11.2.
Variant type: Duplication.
Coding change: c.640dup on transcript NM_130839.5 (MANE Select); coding-DNA position 640, one base duplicated (A; older notation c.640dupA).
Protein change: p.Ser214fs; shifts the reading frame from serine 214.
Molecular consequence: frameshift variant. On other transcripts: non-coding transcript variant (1), intron variant (2).
Genome position (GRCh38, 1-based): chr15:25,371,534, T duplicated on the plus strand (A on the coding strand, the reverse complement: UBE3A is on the minus strand). VCF-style (leftmost placement, unchanged base first): chr15-25371533-C-CT. GRCh37 (hg19) VCF-style: chr15-25616680-C-CT.
Other names: c.649dup, p.Ser217fs (NM_000462.5); c.640dup, p.Ser214fs (NM_001354505.1, NM_001354538.2, NM_001354545.2); c.580dup, p.Ser194fs (NM_001354506.2, NM_001354507.2, NM_001354508.2 and 17 more transcripts); c.463dup, p.Ser155fs (NM_001354546.2); c.301+3931dup (NM_001354551.2); c.361+3931dup (NM_001354550.2); short protein forms S194fs, S217fs, S155fs, S214fs.
Identifiers: ClinVar variation 136196 (VCV000136196.1), dbSNP rs587780574, ClinGen allele CA333465.